The following is an entry in ClinVar:

NM_003718.5(CDK13):c.2543G>C (p.Arg848Thr)

Gene: CDK13 (cyclin dependent kinase 13; plus strand). Cytogenetic location: 7p14.1.
Variant type: single nucleotide variant.
Coding change: c.2543G>C on transcript NM_003718.5 (MANE Select); coding-DNA position 2543, G replaced by C.
Protein change: p.Arg848Thr; replaces arginine 848 with threonine.
Molecular consequence: missense variant.
Genome position (GRCh38, 1-based): chr7:40,046,025, G>C. VCF-style: chr7-40046025-G-C. GRCh37 (hg19) VCF-style: chr7-40085624-G-C.
Other names: c.2543G>C, p.Arg848Thr (NM_031267.4); short protein forms R848T.
Identifiers: ClinVar variation 4685328 (VCV004685328.1).

ClinVar aggregate classification (germline): Uncertain significance (1 of 4 stars; one submission).

Submission:

GeneDx
Classification: Uncertain significance. Last evaluated: 2025-07-06. Review status: criteria provided, single submitter. Criteria: GeneDx Variant Classification Process June 2021. Collection method: clinical testing. Allele origin: germline. Affected: yes.
Comment: Not observed at significant frequency in large population cohorts (gnomAD); In silico analysis supports that this missense variant has a deleterious effect on protein structure/function; In silico analysis supports a deleterious effect on splicing; Has not been previously published as pathogenic or benign to our knowledge